The following is an entry in ClinVar:

NM_014967.5(FAN1):c.2774_2775del (p.Leu925fs)

Genes: FAN1 (FANCD2 and FANCI associated nuclease 1; plus strand), MTMR10 (myotubularin related protein 10; minus strand). Cytogenetic location: 15q13.3.
Variant type: Deletion.
Coding change: c.2774_2775del on transcript NM_014967.5 (MANE Select); coding-DNA positions 2774 to 2775, 2 bases deleted (TT; older notation c.2774_2775delTT).
Protein change: p.Leu925fs; shifts the reading frame from leucine 925.
Molecular consequence: frameshift variant.
Genome position (GRCh38, 1-based): chr15:30,929,384-30,929,385, TT deleted. VCF-style (leftmost placement, unchanged base first): chr15-30929383-CTT-C. GRCh37 (hg19) VCF-style: chr15-31221586-CTT-C.
Other names: short protein forms L925fs.
Identifiers: ClinVar variation 37100 (VCV000037100.6), dbSNP rs765970053, ClinGen allele CA7450751.
Genomic context (GRCh38, chr15:30,929,383, plus strand): 5'-ACGTGGCATGAGCAGGAAGGCAGAGTGGCTTCCCTTGTCAGCTGGGATCGCTTCACGTCT[CTT>C]CAGCAAGCTCAGGTAATGGTTCACCTGCATGGCAGGATTTGCTCAGAAAGTTAACACCGC-3'

ClinVar aggregate classification (germline): Pathogenic. Review status: criteria provided, multiple submitters, no conflicts (2 of 4 stars). 4 submissions from 4 submitters: Pathogenic (2). 2 of the submissions do not count toward it. Last evaluated 2026-03-05.

Conditions:
Karyomegalic interstitial nephritis. Identifiers: Orphanet 401996, MedGen C3553774, MONDO:0013898, OMIM 614817.

Allele frequency attached by ClinVar (database versions not stated): gnomAD 0.00002; gnomAD exomes 0.00002 and 0.00004; ESP Exome Variant Server 0.00008; TOPMed 0.00002; ExAC 0.00002.

Submissions (4):

Dasa
Classification: Pathogenic. Last evaluated: 2026-03-05. Review status: criteria provided, single submitter. Criteria: DASA Assertion Criteria. Collection method: clinical testing. Allele origin: germline.
Comment: NM_014967.5(FAN1):c.2774_2775del (p.Leu925Profs*25) is a frameshift variant in FAN1 predicted to alter the reading frame and introduce a premature termination codon and is predicted to result in an absent or altered protein product. Loss of function is an established disease mechanism for FAN1-associated disorders. This variant has been reported in individuals with FAN1-related disorders (PMID: 22772369). Functional evidence supports an impact on the gene or gene product (PMID: 22772369). Also, this variant is rare in population databases. Based on the currently available evidence, this variant is classified as pathogenic.

Fulgent Genetics
Classification: Pathogenic for Karyomegalic interstitial nephritis. Last evaluated: 2022-01-08. Review status: criteria provided, single submitter. Criteria: ACMG Guidelines, 2015. Collection method: clinical testing. Allele origin: unknown.

Yale Center for Mendelian Genomics, Yale University
Classification: Likely pathogenic for Karyomegalic interstitial nephritis. Last evaluated: 2019-02-14. Review status: no assertion criteria provided. Collection method: literature only. Allele origin: germline. Affected: yes. Observed: 2 compound heterozygotes. Study: Yale Center for Mendelian Genomics. Not counted in ClinVar's aggregate classification.

OMIM
Classification: Pathogenic for INTERSTITIAL NEPHRITIS, KARYOMEGALIC. Last evaluated: 2012-07-08. Review status: no assertion criteria provided. Collection method: literature only. Allele origin: germline. Not counted in ClinVar's aggregate classification.

Literature cited by the submitters: PubMed 22772369 (cited by Dasa and OMIM); PubMed 30773290 (cited by Yale Center for Mendelian Genomics, Yale University); PubMed 16678356 (cited by OMIM).